The following is an entry in ClinVar:

ClinVar aggregate classification (germline): Pathogenic (1 of 4 stars; one submission).

Conditions:
Tuberous sclerosis 2 (TSC2). Identifiers: Orphanet 805, MedGen C1860707, MONDO:0013199, OMIM 613254.

Submission:

Labcorp Genetics (formerly Invitae), Labcorp
Classification: Pathogenic for Tuberous sclerosis 2. Last evaluated: 2025-05-09. Review status: criteria provided, single submitter. Criteria: Invitae Variant Classification Sherloc (09022015). Collection method: clinical testing. Allele origin: germline.
Comment: This sequence change creates a premature translational stop signal (p.Met1226Ilefs*99) in the TSC2 gene. It is expected to result in an absent or disrupted protein product. Loss-of-function variants in TSC2 are known to be pathogenic (PMID: 10205261, 17304050). This variant is not present in population databases (gnomAD no frequency). This variant has not been reported in the literature in individuals affected with TSC2-related conditions. Algorithms developed to predict the effect of sequence changes on RNA splicing suggest that this variant may create or strengthen a splice site. For these reasons, this variant has been classified as Pathogenic.

Literature cited by the submitters: PubMed 10205261; PubMed 17304050.

NM_000548.5(TSC2):c.3678del (p.Met1226fs)

Gene: TSC2 (TSC complex subunit 2; plus strand). Cytogenetic location: 16p13.3.
Variant type: Deletion.
Coding change: c.3678del on transcript NM_000548.5 (MANE Select); coding-DNA position 3678, one base deleted (G; older notation c.3678delG).
Protein change: p.Met1226fs; shifts the reading frame from methionine 1226.
Molecular consequence: frameshift variant. On other transcripts: non-coding transcript variant (5).
Genome position (GRCh38, 1-based): chr16:2,081,662, G deleted. VCF-style (leftmost placement, unchanged base first): chr16-2081661-TG-T. GRCh37 (hg19) VCF-style: chr16-2131662-TG-T.
Other names: c.3546del, p.Met1182fs (NM_001077183.3, NM_001370404.1, NM_001406665.1); c.3678del, p.Met1226fs (NM_001114382.3); c.3438del, p.Met1146fs (NM_001318827.2); c.3402del, p.Met1134fs (NM_001318829.2); c.2946del, p.Met982fs (NM_001318831.2, NM_001406687.1, NM_001406688.1); c.3579del, p.Met1193fs (NM_001318832.2); c.3549del, p.Met1183fs (NM_001363528.2, NM_001370405.1, NM_021055.3); c.3675del, p.Met1225fs (NM_001406663.1, NM_001406664.1); and 18 more; short protein forms M1025fs, M1145fs, M1176fs, M1177fs, M1182fs, M1183fs, M1193fs, M734fs.
Identifiers: ClinVar variation 4718577 (VCV004718577.1).